The following is an entry in ClinVar:

NM_000017.4(ACADS):c.880G>A (p.Ala294Thr)

Gene: ACADS (acyl-CoA dehydrogenase short chain; plus strand). Cytogenetic location: 12q24.31.
Variant type: single nucleotide variant.
Coding change: c.880G>A on transcript NM_000017.4 (MANE Select); coding-DNA position 880, G replaced by A.
Protein change: p.Ala294Thr; replaces alanine 294 with threonine.
Molecular consequence: missense variant.
Genome position (GRCh38, 1-based): chr12:120,738,617, G>A. VCF-style: chr12-120738617-G-A. GRCh37 (hg19) VCF-style: chr12-121176420-G-A.
Other names: c.868G>A, p.Ala290Thr (NM_001302554.2); short protein forms A290T, A294T.
Identifiers: ClinVar variation 1201939 (VCV001201939.4), dbSNP rs770406570, ClinGen allele CA6831104.

ClinVar aggregate classification (germline): Uncertain significance. Review status: criteria provided, multiple submitters, no conflicts (2 of 4 stars). 2 submissions from 2 submitters: Uncertain significance (2). Last evaluated 2026-01-09.

Conditions:
Deficiency of butyryl-CoA dehydrogenase (ACADSD). Also called: SCAD DEFICIENCY, MILD; ACYL-CoA DEHYDROGENASE, SHORT-CHAIN, DEFICIENCY OF; ACADS DEFICIENCY; Short-Chain Acyl-CoA Dehydrogenase Deficiency; SCADH DEFICIENCY; SCAD Deficiency. Identifiers: Orphanet 26792, MedGen C0342783, MONDO:0008722, OMIM 201470. Disease mechanism: May be benign.

Allele frequency attached by ClinVar (database versions not stated): ExAC 0.00001.
gnomAD v4.1: 5 of 1,613,264 alleles (0.00031%); highest among the groups gnomAD compares: Admixed American, 0.0017%; no homozygotes.

Submissions (2):

Labcorp Genetics (formerly Invitae), Labcorp
Classification: Uncertain significance for Deficiency of butyryl-CoA dehydrogenase. Last evaluated: 2026-01-09. Review status: criteria provided, single submitter. Criteria: Invitae Variant Classification Sherloc (09022015). Collection method: clinical testing. Allele origin: germline.
Comment: This sequence change replaces alanine, which is neutral and non-polar, with threonine, which is neutral and polar, at codon 294 of the ACADS protein (p.Ala294Thr). This variant is not present in population databases (gnomAD no frequency). This variant has not been reported in the literature in individuals affected with ACADS-related conditions. ClinVar contains an entry for this variant (Variation ID: 1201939). Invitae Evidence Modeling of protein sequence and biophysical properties (such as structural, functional, and spatial information, amino acid conservation, physicochemical variation, residue mobility, and thermodynamic stability) indicates that this missense variant is expected to disrupt ACADS protein function with a positive predictive value of 95%. In summary, the available evidence is currently insufficient to determine the role of this variant in disease. Therefore, it has been classified as a Variant of Uncertain Significance.

GeneDx
Classification: Uncertain significance. Last evaluated: 2020-06-24. Review status: criteria provided, single submitter. Criteria: GeneDx Variant Classification Process June 2021. Collection method: clinical testing. Allele origin: germline. Affected: yes.
Comment: Not observed at a significant frequency in large population cohorts (Lek et al., 2016); In silico analysis supports that this missense variant has a deleterious effect on protein structure/function; Has not been previously published as pathogenic or benign to our knowledge